The following is an entry in ClinVar:

ClinVar aggregate classification (germline): Conflicting classifications of pathogenicity. Review status: criteria provided, conflicting classifications (1 of 4 stars). 5 submissions from 5 submitters: Uncertain significance (3); Likely benign (2). Last evaluated 2025-04-02.

Conditions:
Hereditary cancer-predisposing syndrome. Also called: Tumor predisposition; Neoplastic Syndromes, Hereditary; Hereditary Cancer Syndrome; Hereditary neoplastic syndrome. Identifiers: Orphanet 140162, MedGen C0027672, MeSH D009386, MONDO:0015356.
Hereditary breast ovarian cancer syndrome. Also called: Hereditary breast and ovarian cancer; Breast and ovarian cancer; Hereditary breast and/or ovarian cancer syndrome; Hereditary breast and ovarian cancer syndrome (HBOC); BRCA1- and BRCA2-Associated Hereditary Breast and Ovarian Cancer; Hereditary breast and ovarian cancer syndrome. Identifiers: Orphanet 145, MedGen C0677776, MeSH D061325, MONDO:0003582. Disease mechanism: loss of function.
Breast-ovarian cancer, familial, susceptibility to, 2 (BROVCA2). Also called: BRCA2 Hereditary Breast and Ovarian Cancer. Identifiers: Orphanet 145, MedGen C2675520, MONDO:0012933, OMIM 612555. Disease mechanism: loss of function.

Allele frequency attached by ClinVar (database versions not stated): gnomAD exomes below 0.00001.
gnomAD v4.1: 1 of 1,606,566 alleles (0.000062%); highest among the groups gnomAD compares: Non-Finnish European, 0.000085%; no homozygotes.

Submissions (5):

Myriad Genetics, Inc.
Classification: Likely benign for Breast-ovarian cancer, familial, susceptibility to, 2. Last evaluated: 2025-04-02. Review status: criteria provided, single submitter. Criteria: Myriad Autosomal Dominant, Autosomal Recessive and X-Linked Classification Criteria (2023). Collection method: clinical testing. Allele origin: unknown.
Comment: This variant is considered likely benign. This variant is strongly associated with less severe personal and family histories of cancer, typical for individuals without pathogenic variants in this gene [PMID: 25085752].

Ambry Genetics
Classification: Uncertain significance for Hereditary cancer-predisposing syndrome. Last evaluated: 2025-02-15. Review status: criteria provided, single submitter. Criteria: Ambry Variant Classification Scheme 2023. Collection method: clinical testing. Allele origin: germline.
Comment: The p.K1860R variant (also known as c.5579A>G), located in coding exon 10 of the BRCA2 gene, results from an A to G substitution at nucleotide position 5579. The lysine at codon 1860 is replaced by arginine, an amino acid with highly similar properties. This amino acid position is not well conserved in available vertebrate species. In addition, this alteration is predicted to be tolerated by in silico analysis. Since supporting evidence is limited at this time, the clinical significance of this alteration remains unclear.

Labcorp Genetics (formerly Invitae), Labcorp
Classification: Uncertain significance for Hereditary breast ovarian cancer syndrome. Last evaluated: 2024-07-30. Review status: criteria provided, single submitter. Criteria: Invitae Variant Classification Sherloc (09022015). Collection method: clinical testing. Allele origin: germline.
Comment: This sequence change replaces lysine, which is basic and polar, with arginine, which is basic and polar, at codon 1860 of the BRCA2 protein (p.Lys1860Arg). This variant is not present in population databases (gnomAD no frequency). This variant has not been reported in the literature in individuals affected with BRCA2-related conditions. ClinVar contains an entry for this variant (Variation ID: 479300). Advanced modeling of protein sequence and biophysical properties (such as structural, functional, and spatial information, amino acid conservation, physicochemical variation, residue mobility, and thermodynamic stability) performed at Invitae indicates that this missense variant is not expected to disrupt BRCA2 protein function with a negative predictive value of 95%. In summary, the available evidence is currently insufficient to determine the role of this variant in disease. Therefore, it has been classified as a Variant of Uncertain Significance.

University of Washington Department of Laboratory Medicine, University of Washington
Classification: Likely benign for Hereditary cancer-predisposing syndrome. Last evaluated: 2023-03-23. Review status: criteria provided, single submitter. Criteria: Dines et al. (Genet Med. 2020). Collection method: curation. Allele origin: germline.
Comment: Missense variant in a coldspot region where missense variants are very unlikely to be pathogenic (PMID:31911673).

BRCA2 exon 11 coldspot. Reclassification based on statistical prior probability.

GeneDx
Classification: Uncertain significance. Last evaluated: 2022-05-13. Review status: criteria provided, single submitter. Criteria: GeneDx Variant Classification Process June 2021. Collection method: clinical testing. Allele origin: germline. Affected: yes.
Comment: Not observed at significant frequency in large population cohorts (gnomAD); In silico analysis supports that this missense variant does not alter protein structure/function; Has not been previously published as pathogenic or benign to our knowledge; Also known as 5807A>G; This variant is associated with the following publications: (PMID: 22193408, 9002670)

Literature cited by the submitters: PubMed 25085752 (cited by Myriad Genetics, Inc.).

NM_000059.4(BRCA2):c.5579A>G (p.Lys1860Arg)

Gene: BRCA2 (BRCA2 DNA repair associated; plus strand). Cytogenetic location: 13q13.1.
Variant type: single nucleotide variant.
Coding change: c.5579A>G on transcript NM_000059.4 (MANE Select); coding-DNA position 5579, A replaced by G.
Protein change: p.Lys1860Arg; replaces lysine 1860 with arginine.
Molecular consequence: missense variant.
Genome position (GRCh38, 1-based): chr13:32,339,934, A>G. VCF-style: chr13-32339934-A-G. GRCh37 (hg19) VCF-style: chr13-32914071-A-G.
Other names: short protein forms K1860R.
Identifiers: ClinVar variation 479300 (VCV000479300.14), dbSNP rs1555284280, ClinGen allele CA387786012.